The following is an entry in ClinVar:

NM_004168.4(SDHA):c.629G>A (p.Arg210Gln)

Gene: SDHA (succinate dehydrogenase complex flavoprotein subunit A; plus strand). Cytogenetic location: 5p15.33.
Variant type: single nucleotide variant.
Coding change: c.629G>A on transcript NM_004168.4 (MANE Select); coding-DNA position 629, G replaced by A.
Protein change: p.Arg210Gln; replaces arginine 210 with glutamine.
Molecular consequence: missense variant.
Genome position (GRCh38, 1-based): chr5:228,192, G>A. VCF-style: chr5-228192-G-A. GRCh37 (hg19) VCF-style: chr5-228307-G-A.
Other names: c.485G>A, p.Arg162Gln (NM_001294332.2); c.629G>A, p.Arg210Gln (NM_001330758.2); short protein forms R210Q, R162Q.
Identifiers: ClinVar variation 567705 (VCV000567705.15), dbSNP rs762108779, ClinGen allele CA3172927.
Genomic context (GRCh38, chr5:228,192, plus strand): 5'-AACCTTAAAGTTTGGCTTAACACTTCTTGCCCTTTTTTTTTCCTTTCTTTTAGTCTCTGC[G>A]ATATGATACCAGCTATTTTGTGGAGTATTTTGCCTTGGATCTCCTGATGGAGAATGGGGA-3'
Protein context (NP_004159.2, residues 200-220): LLHTLYGRSL[Arg210Gln]YDTSYFVEYF

ClinVar aggregate classification (germline): Uncertain significance. Review status: criteria provided, multiple submitters, no conflicts (2 of 4 stars). 4 submissions from 4 submitters: Uncertain significance (4). Last evaluated 2024-08-02.

Conditions:
Mitochondrial complex II deficiency, nuclear type 1. Also called: SUCCINATE CoQ REDUCTASE DEFICIENCY. Identifiers: Orphanet 3208, MedGen C5700310, MONDO:0100294, OMIM 252011.
Pheochromocytoma/paraganglioma syndrome 5. Also called: Paragangliomas 5; SDHA-Related Hereditary Paraganglioma-Pheochromocytoma Syndrome. Identifiers: Orphanet 29072, MedGen C3279992, MONDO:0013602, OMIM 614165.
Dilated cardiomyopathy 1GG (CMD1GG). Identifiers: Orphanet 154, MedGen C3150898, MONDO:0013339, OMIM 613642.
Hereditary cancer-predisposing syndrome. Also called: Neoplastic Syndromes, Hereditary; Tumor predisposition; Hereditary neoplastic syndrome; Hereditary Cancer Syndrome. Identifiers: Orphanet 140162, MedGen C0027672, MeSH D009386, MONDO:0015356.

Allele frequency attached by ClinVar (database versions not stated): TOPMed below 0.00001; gnomAD 0.00001; gnomAD exomes 0.00002 and 0.00003; ExAC 0.00006.
gnomAD v4.1: 33 of 1,613,338 alleles (0.002%); highest among the groups gnomAD compares: Middle Eastern, 0.033%; no homozygotes.

Submissions (4):

Ambry Genetics
Classification: Uncertain significance for Hereditary cancer-predisposing syndrome. Last evaluated: 2024-08-02. Review status: criteria provided, single submitter. Criteria: Ambry Variant Classification Scheme 2023. Collection method: clinical testing. Allele origin: germline.
Comment: The p.R210Q variant (also known as c.629G>A), located in coding exon 6 of the SDHA gene, results from a G to A substitution at nucleotide position 629. The arginine at codon 210 is replaced by glutamine, an amino acid with highly similar properties. This alteration was reported in an individual with an apparently sporadic pheochromocytoma (Welander J et al. J. Clin. Endocrinol. Metab., 2014 Jul;99:E1352-60). This amino acid position is highly conserved in available vertebrate species. In addition, the in silico prediction for this alteration is inconclusive. Based on the available evidence, the clinical significance of this variant remains unclear.

Baylor Genetics
Classification: Uncertain significance for Dilated cardiomyopathy 1GG. Last evaluated: 2024-01-03. Review status: criteria provided, single submitter. Criteria: ACMG Guidelines, 2015. Collection method: clinical testing. Allele origin: unknown.

Women's Health and Genetics/Laboratory Corporation of America, LabCorp
Classification: Uncertain significance. Last evaluated: 2023-12-05. Review status: criteria provided, single submitter. Criteria: LabCorp Variant Classification Summary - May 2015. Collection method: clinical testing. Allele origin: germline.
Comment: Variant summary: SDHA c.629G>A (p.Arg210Gln) results in a conservative amino acid change located in the FAD-dependent oxidoreductase 2, FAD binding domain (IPR003953) of the encoded protein sequence. Four of five in-silico tools predict a benign effect of the variant on protein function. The variant allele was found at a frequency of 3.2e-05 in 251134 control chromosomes (i.e., 8 heterozygotes; gnomAD v2.1.1 Exomes dataset). The available data on variant occurrences in the general population are insufficient to allow any conclusion about variant significance. c.629G>A has been reported in the literature in individual(s) with pheochromocytoma and paraganglioma (e.g., Welander_2014, Bausch_2017), however without strong evidence for causality. These reports therefore do not provide unequivocal conclusions about association of the variant with Neurodegeneration With Ataxia And Late-Onset Optic Atrophy. To our knowledge, no experimental evidence demonstrating an impact on protein function has been reported. The following publications have been ascertained in the context of this evaluation (PMID: 28384794, 24694336). Two submitters have reported clinical-significance assessments for this variant to ClinVar after 2014. Both submitters classified the variant as uncertain significance. Based on the evidence outlined above, the variant was classified as uncertain significance.

Labcorp Genetics (formerly Invitae), Labcorp
Classification: Uncertain significance for Pheochromocytoma/paraganglioma syndrome 5; Mitochondrial complex II deficiency, nuclear type 1. Last evaluated: 2023-11-27. Review status: criteria provided, single submitter. Criteria: Invitae Variant Classification Sherloc (09022015). Collection method: clinical testing. Allele origin: germline.
Comment: This sequence change replaces arginine, which is basic and polar, with glutamine, which is neutral and polar, at codon 210 of the SDHA protein (p.Arg210Gln). This variant is present in population databases (rs762108779, gnomAD 0.005%). This missense change has been observed in individual(s) with pheochromocytoma and paraganglioma (PMID: 24694336, 28384794). ClinVar contains an entry for this variant (Variation ID: 567705). Advanced modeling of protein sequence and biophysical properties (such as structural, functional, and spatial information, amino acid conservation, physicochemical variation, residue mobility, and thermodynamic stability) performed at Invitae indicates that this missense variant is not expected to disrupt SDHA protein function with a negative predictive value of 95%. In summary, the available evidence is currently insufficient to determine the role of this variant in disease. Therefore, it has been classified as a Variant of Uncertain Significance.

Literature cited by the submitters: PubMed 24694336 (cited by 3 submitters); PubMed 28384794 (cited by Women's Health and Genetics/Laboratory Corporation of America, LabCorp and Labcorp Genetics (formerly Invitae), Labcorp).